The following is an entry in ClinVar:

ClinVar aggregate classification (germline): Uncertain significance (1 of 4 stars; one submission).

Conditions:
Hereditary cancer-predisposing syndrome. Also called: Hereditary Cancer Syndrome; Neoplastic Syndromes, Hereditary; Tumor predisposition; Hereditary neoplastic syndrome. Identifiers: Orphanet 140162, MedGen C0027672, MeSH D009386, MONDO:0015356.

Submission:

Ambry Genetics
Classification: Uncertain significance for Hereditary cancer-predisposing syndrome. Last evaluated: 2026-06-22. Review status: criteria provided, single submitter. Criteria: Ambry Variant Classification Scheme 2023. Collection method: clinical testing. Allele origin: germline.
Comment: The c.2987+2T>C intronic variant results from a T to C substitution two nucleotides after coding exon 17 in the DICER1 gene. This nucleotide position is highly conserved in available vertebrate species. In silico splice site analysis predicts that this alteration may weaken the native splice donor site; however, direct evidence is insufficient at this time (Ambry internal data). Variants that disrupt the canonical splice site are expected to cause aberrant splicing, resulting in an abnormal protein or a transcript that is subject to nonsense-mediated mRNA decay; however, +2T>C variants are capable of generating wild-type transcripts in some genomic contexts and should be interpreted with caution (Lin JH et al. Hum Mutat. 2019 10;40:1856-1873). Based on the available evidence, the clinical significance of this variant remains unclear.

NM_177438.3(DICER1):c.2987+2T>C

Gene: DICER1 (dicer 1, ribonuclease III; minus strand). Cytogenetic location: 14q32.13.
Variant type: single nucleotide variant.
Coding change: c.2987+2T>C on transcript NM_177438.3 (MANE Select); the canonical splice donor site of the intron after coding-DNA position 2987, T replaced by C.
Molecular consequence: splice donor variant. On other transcripts: non-coding transcript variant (1).
Genome position (GRCh38, 1-based): chr14:95,106,039, A>G on the plus strand (T>C on the coding strand, the complement: DICER1 is on the minus strand). VCF-style: chr14-95106039-A-G. GRCh37 (hg19) VCF-style: chr14-95572376-A-G.
Other names: c.2987+2T>C (NM_001291628.2, NM_030621.4, NM_001395677.1 and 12 more transcripts); c.2582+2T>C (NM_001395690.1, NM_001395687.1, NM_001395689.1 and 2 more transcripts); c.2705+2T>C (NM_001395686.1); c.2420+2T>C (NM_001395691.1); c.1304+2T>C (NM_001395697.1).
Identifiers: ClinVar variation 5035230 (VCV005035230.1).